The following is an entry in ClinVar:

NM_025114.4(CEP290):c.4820dup (p.Met1607fs)

Gene: CEP290 (centrosomal protein 290; minus strand). Cytogenetic location: 12q21.32.
Variant type: Duplication.
Coding change: c.4820dup on transcript NM_025114.4 (MANE Select); coding-DNA position 4820, one base duplicated (T; older notation c.4820dupT).
Protein change: p.Met1607fs; shifts the reading frame from methionine 1607.
Molecular consequence: frameshift variant.
Genome position (GRCh38, 1-based): chr12:88,083,223, A duplicated on the plus strand (T on the coding strand, the reverse complement: CEP290 is on the minus strand). VCF-style (leftmost placement, unchanged base first): chr12-88083222-C-CA. GRCh37 (hg19) VCF-style: chr12-88476999-C-CA.
Other names: short protein forms M1607fs.
Identifiers: ClinVar variation 2923636 (VCV002923636.3), dbSNP rs2499961991, ClinGen allele CA2740092471.
Genomic context (GRCh38, chr12:88,083,222, plus strand): 5'-TTCCATCTCAGCCAGACGAATAAAATGCTTGTTGGTAGGAACTGGAGTGGGAGACTGTTT[C>CA]ATTAAATCCTATAAAATATGAATATATTAGCAATAGGCATGTATAATTCAATGCCATACT-3'

ClinVar aggregate classification (germline): Pathogenic (1 of 4 stars; one submission).

Conditions:
Joubert syndrome. Also called: CEREBELLOPARENCHYMAL DISORDER IV; JOUBERT-BOLTSHAUSER SYNDROME; Familial aplasia of the vermis. Identifiers: Orphanet 475, MedGen C5979921, MONDO:0018772.
Nephronophthisis. Also called: Juvenile Nephronophthisis. Identifiers: Orphanet 655, MedGen C0687120, MONDO:0019005, HP:0000090.
Meckel-Gruber syndrome. Also called: DYSENCEPHALIA SPLANCHNOCYSTICA; GRUBER SYNDROME; Dysencephalia splachnocystica. Identifiers: Orphanet 564, MedGen C0265215, MONDO:0018921.

Submission:

Labcorp Genetics (formerly Invitae), Labcorp
Classification: Pathogenic for Joubert syndrome; Meckel-Gruber syndrome; Nephronophthisis. Last evaluated: 2026-01-12. Review status: criteria provided, single submitter. Criteria: Invitae Variant Classification Sherloc (09022015). Collection method: clinical testing. Allele origin: germline.
Comment: This sequence change creates a premature translational stop signal (p.Met1607Ilefs*19) in the CEP290 gene. It is expected to result in an absent or disrupted protein product. Loss-of-function variants in CEP290 are known to be pathogenic (PMID: 16909394, 17345604, 20690115). This variant is not present in population databases (gnomAD no frequency). This variant has not been reported in the literature in individuals affected with CEP290-related conditions. ClinVar contains an entry for this variant (Variation ID: 2923636). For these reasons, this variant has been classified as Pathogenic.

Literature cited by the submitters: PubMed 16909394; PubMed 17345604; PubMed 20690115.